The following is an entry in ClinVar:

ClinVar aggregate classification (germline): Likely benign (1 of 4 stars; one submission).

Allele frequency attached by ClinVar (database versions not stated): gnomAD exomes below 0.00001.
gnomAD v4.1: 1 of 1,211,254 alleles (0.000083%); highest among the groups gnomAD compares: Non-Finnish European, 0.00011%; no homozygotes.

Submission:

GeneDx
Classification: Likely benign. Last evaluated: 2018-01-12. Review status: criteria provided, single submitter. Criteria: GeneDx Variant Classification (06012015). Collection method: clinical testing. Allele origin: germline. Affected: yes.
Comment: This variant is considered likely benign or benign based on one or more of the following criteria: it is a conservative change, it occurs at a poorly conserved position in the protein, it is predicted to be benign by multiple in silico algorithms, and/or has population frequency not consistent with disease.

NM_001029896.2(WDR45):c.725+20G>A

Gene: WDR45 (WD repeat domain 45; minus strand). Cytogenetic location: Xp11.23.
Variant type: single nucleotide variant.
Coding change: c.725+20G>A on transcript NM_001029896.2 (MANE Select); 20 bases into the intron after coding-DNA position 725, G replaced by A.
Molecular consequence: intron variant.
Genome position (GRCh38, 1-based): chrX:49,075,525, C>T on the plus strand (G>A on the coding strand, the complement: WDR45 is on the minus strand). VCF-style: chrX-49075525-C-T. GRCh37 (hg19) VCF-style: chrX-48933184-C-T.
Other names: c.728+20G>A (NM_007075.4).
Identifiers: ClinVar variation 514736 (VCV000514736.1), dbSNP rs1557084021, ClinGen allele CA658799733.